The following is an entry in ClinVar:

NM_001365896.1(NACA):c.2859C>T (p.Gly953=)

Gene: NACA (nascent polypeptide associated complex subunit alpha; minus strand). Cytogenetic location: 12q13.3.
Variant type: single nucleotide variant.
Coding change: c.2859C>T on transcript NM_001365896.1 (MANE Select); coding-DNA position 2859, C replaced by T.
Protein change: p.Gly953=; no amino-acid change (glycine 953 retained).
Molecular consequence: synonymous variant. On other transcripts: intron variant (6).
Genome position (GRCh38, 1-based): chr12:56,718,671, G>A on the plus strand (C>T on the coding strand, the complement: NACA is on the minus strand). VCF-style: chr12-56718671-G-A. GRCh37 (hg19) VCF-style: chr12-57112455-G-A.
Other names: c.71-3984C>T (NM_001113202.2, NM_001320194.2, NM_001320193.2 and 2 more transcripts); c.1864+866C>T (NM_001113203.3).
Identifiers: ClinVar variation 3025240 (VCV003025240.22), dbSNP rs766939916, ClinGen allele CA6636888.

ClinVar aggregate classification (germline): Likely benign (1 of 4 stars; one submission).

Allele frequency attached by ClinVar (database versions not stated): ExAC 0.00001.

Submission:

CeGaT Center for Human Genetics Tuebingen
Classification: Likely benign. Last evaluated: 2025-12-01. Review status: criteria provided, single submitter. Criteria: CeGaT Center For Human Genetics Tuebingen Variant Classification Criteria Version 2. Collection method: clinical testing. Allele origin: germline. Affected: yes. Observed: 2 variant alleles.
Comment: NACA: BP4, BP7